The following is an entry in ClinVar:

ClinVar aggregate classification (germline): Conflicting classifications of pathogenicity. Review status: criteria provided, conflicting classifications (1 of 4 stars). 2 submissions from 2 submitters: Uncertain significance (1); Benign (1). Last evaluated 2024-10-09.

Conditions:
Carney complex, type 1 (CNC1). Also called: CARNEY COMPLEX, TYPE I; CARNEY MYXOMA-ENDOCRINE COMPLEX. Identifiers: Orphanet 1359, MedGen C2607929, MONDO:0008057, OMIM 160980.
Hereditary cancer-predisposing syndrome. Also called: Neoplastic Syndromes, Hereditary; Tumor predisposition; Hereditary neoplastic syndrome; Hereditary Cancer Syndrome. Identifiers: Orphanet 140162, MedGen C0027672, MeSH D009386, MONDO:0015356.

Allele frequency attached by ClinVar (database versions not stated): gnomAD exomes below 0.00001 and 0.00001; ExAC 0.00001; gnomAD 0.00002; TOPMed 0.00003.
gnomAD v4.1: 4 of 1,613,652 alleles (0.00025%); highest among the groups gnomAD compares: African/African-American, 0.0053%; no homozygotes.

Submissions (2):

Labcorp Genetics (formerly Invitae), Labcorp
Classification: Uncertain significance for Carney complex, type 1. Last evaluated: 2024-10-09. Review status: criteria provided, single submitter. Criteria: Invitae Variant Classification Sherloc (09022015). Collection method: clinical testing. Allele origin: germline.
Comment: This sequence change replaces alanine, which is neutral and non-polar, with valine, which is neutral and non-polar, at codon 191 of the PRKAR1A protein (p.Ala191Val). This variant is present in population databases (rs752432156, gnomAD 0.01%). This variant has not been reported in the literature in individuals affected with PRKAR1A-related conditions. ClinVar contains an entry for this variant (Variation ID: 840674). Invitae Evidence Modeling of protein sequence and biophysical properties (such as structural, functional, and spatial information, amino acid conservation, physicochemical variation, residue mobility, and thermodynamic stability) indicates that this missense variant is not expected to disrupt PRKAR1A protein function with a negative predictive value of 95%. In summary, the available evidence is currently insufficient to determine the role of this variant in disease. Therefore, it has been classified as a Variant of Uncertain Significance.

Ambry Genetics
Classification: Benign for Hereditary cancer-predisposing syndrome. Last evaluated: 2024-03-25. Review status: criteria provided, single submitter. Criteria: Ambry Variant Classification Scheme 2023. Collection method: clinical testing. Allele origin: germline.

NM_002734.5(PRKAR1A):c.572C>T (p.Ala191Val)

Gene: PRKAR1A (protein kinase cAMP-dependent type I regulatory subunit alpha; plus strand). Cytogenetic location: 17q24.2.
Variant type: single nucleotide variant.
Coding change: c.572C>T on transcript NM_002734.5 (MANE Select); coding-DNA position 572, C replaced by T.
Protein change: p.Ala191Val; replaces alanine 191 with valine.
Molecular consequence: missense variant.
Genome position (GRCh38, 1-based): chr17:68,525,776, C>T. VCF-style: chr17-68525776-C-T. GRCh37 (hg19) VCF-style: chr17-66521917-C-T.
Other names: c.572C>T, p.Ala191Val (NM_001276289.2, NM_001276290.1, NM_001278433.2 and 4 more transcripts); c.572C>T (NM_002734.3); short protein forms A191V.
Identifiers: ClinVar variation 840674 (VCV000840674.10), dbSNP rs752432156, ClinGen allele CA8729322.